The following is an entry in ClinVar:

ClinVar aggregate classification (germline): Benign/Likely benign. Review status: criteria provided, multiple submitters, no conflicts (2 of 4 stars). 2 submissions from 2 submitters: Benign (1); Likely benign (1). Last evaluated 2024-09-19.

Conditions:
Hereditary cancer-predisposing syndrome. Also called: Hereditary Cancer Syndrome; Tumor predisposition; Neoplastic Syndromes, Hereditary; Hereditary neoplastic syndrome. Identifiers: Orphanet 140162, MedGen C0027672, MeSH D009386, MONDO:0015356.
Hereditary diffuse gastric adenocarcinoma (HDGC). Also called: DIFFUSE GASTRIC AND LOBULAR BREAST CANCER SYNDROME. Identifiers: Orphanet 26106, MedGen C1708349, MONDO:0007648, OMIM 137215.

Submissions (2):

Myriad Genetics, Inc.
Classification: Benign for Hereditary diffuse gastric adenocarcinoma. Last evaluated: 2024-09-19. Review status: criteria provided, single submitter. Criteria: Myriad Autosomal Dominant, Autosomal Recessive and X-Linked Classification Criteria (2023). Collection method: clinical testing. Allele origin: unknown.
Comment: This variant is considered benign. This variant is a silent/synonymous amino acid change and it is not expected to impact splicing.

Ambry Genetics
Classification: Likely benign for Hereditary cancer-predisposing syndrome. Last evaluated: 2023-12-31. Review status: criteria provided, single submitter. Criteria: Ambry Variant Classification Scheme 2023. Collection method: clinical testing. Allele origin: germline.

NM_004360.5(CDH1):c.1683C>T (p.Tyr561=)

Gene: CDH1 (cadherin 1; plus strand). Cytogenetic location: 16q22.1.
Variant type: single nucleotide variant.
Coding change: c.1683C>T on transcript NM_004360.5 (MANE Select); coding-DNA position 1683, C replaced by T.
Protein change: p.Tyr561=; no amino-acid change (tyrosine 561 retained).
Molecular consequence: synonymous variant. On other transcripts: intron variant (1).
Genome position (GRCh38, 1-based): chr16:68,819,397, C>T. VCF-style: chr16-68819397-C-T. GRCh37 (hg19) VCF-style: chr16-68853300-C-T.
Other names: c.1500C>T, p.Tyr500= (NM_001317184.2); c.135C>T, p.Tyr45= (NM_001317185.2); c.-254-2604C>T (NM_001317186.2).
Identifiers: ClinVar variation 3224155 (VCV003224155.2), dbSNP rs1336713139, ClinGen allele CA496154412.
Genomic context (GRCh38, chr16:68,819,397, plus strand): 5'-CATTTCCACTCGGGCTGAGCTGGACAGGGAGGATTTTGAGCACGTGAAGAACAGCACGTA[C>T]ACAGCCCTAATCATAGCTACAGACAATGGTAAGGGGGCCTCATCTGAGCCTTTGCTGCCT-3'
Protein context (NP_004351.1, residues 551-571): EDFEHVKNST[Tyr561=]TALIIATDNG